The following is an entry in ClinVar:

ClinVar aggregate classification (germline): Uncertain significance (1 of 4 stars; one submission).

Conditions:
EAST syndrome (SESAMES). Also called: SEIZURES, SENSORINEURAL DEAFNESS, ATAXIA, IMPAIRED INTELLECTUAL DEVELOPMENT, AND ELECTROLYTE IMBALANCE. Identifiers: Orphanet 199343, MedGen C2748572, MONDO:0013005, OMIM 612780.

gnomAD v4.1: 17 of 1,613,330 alleles (0.0011%); highest among the groups gnomAD compares: South Asian, 0.0022%; no homozygotes.

Submission:

Labcorp Genetics (formerly Invitae), Labcorp
Classification: Uncertain significance for EAST syndrome. Last evaluated: 2024-07-01. Review status: criteria provided, single submitter. Criteria: Invitae Variant Classification Sherloc (09022015). Collection method: clinical testing. Allele origin: germline.
Comment: This sequence change replaces alanine, which is neutral and non-polar, with valine, which is neutral and non-polar, at codon 73 of the KCNJ10 protein (p.Ala73Val). This variant is present in population databases (rs758441824, gnomAD 0.003%). This variant has not been reported in the literature in individuals affected with KCNJ10-related conditions. Advanced modeling of protein sequence and biophysical properties (such as structural, functional, and spatial information, amino acid conservation, physicochemical variation, residue mobility, and thermodynamic stability) performed at Invitae indicates that this missense variant is not expected to disrupt KCNJ10 protein function with a negative predictive value of 80%. In summary, the available evidence is currently insufficient to determine the role of this variant in disease. Therefore, it has been classified as a Variant of Uncertain Significance.

NM_002241.5(KCNJ10):c.218C>T (p.Ala73Val)

Gene: KCNJ10 (potassium inwardly rectifying channel subfamily J member 10; minus strand). Cytogenetic location: 1q23.2.
Variant type: single nucleotide variant.
Coding change: c.218C>T on transcript NM_002241.5 (MANE Select); coding-DNA position 218, C replaced by T.
Protein change: p.Ala73Val; replaces alanine 73 with valine.
Molecular consequence: missense variant.
Genome position (GRCh38, 1-based): chr1:160,042,315, G>A on the plus strand (C>T on the coding strand, the complement: KCNJ10 is on the minus strand). VCF-style: chr1-160042315-G-A. GRCh37 (hg19) VCF-style: chr1-160012105-G-A.
Other names: short protein forms A73V.
Identifiers: ClinVar variation 3730805 (VCV003730805.2).